The following is an entry in ClinVar:

ClinVar aggregate classification (germline): Uncertain significance (1 of 4 stars; one submission).

Conditions:
Inborn genetic diseases. Identifiers: MedGen C0950123, MeSH D030342.

Submission:

Ambry Genetics
Classification: Uncertain significance for Inborn genetic diseases. Last evaluated: 2022-10-19. Review status: criteria provided, single submitter. Criteria: Ambry Variant Classification Scheme 2023. Collection method: clinical testing. Allele origin: germline.
Comment: The p.L1112F variant (also known as c.3334C>T), located in coding exon 24 of the LRRK2 gene, results from a C to T substitution at nucleotide position 3334. The leucine at codon 1112 is replaced by phenylalanine, an amino acid with highly similar properties. This amino acid position is conserved. In addition, the in silico prediction for this alteration is inconclusive. Since supporting evidence is limited at this time, the clinical significance of this alteration remains unclear.

NM_198578.4(LRRK2):c.3334C>T (p.Leu1112Phe)

Gene: LRRK2 (leucine rich repeat kinase 2; plus strand). Cytogenetic location: 12q12.
Variant type: single nucleotide variant.
Coding change: c.3334C>T on transcript NM_198578.4 (MANE Select); coding-DNA position 3334, C replaced by T.
Protein change: p.Leu1112Phe; replaces leucine 1112 with phenylalanine.
Molecular consequence: missense variant.
Genome position (GRCh38, 1-based): chr12:40,298,480, C>T. VCF-style: chr12-40298480-C-T. GRCh37 (hg19) VCF-style: chr12-40692282-C-T.
Other names: short protein forms L1112F.
Identifiers: ClinVar variation 1730339 (VCV001730339.2), dbSNP rs2499747315, ClinGen allele CA384415227.